The following is an entry in ClinVar:

NM_022168.4(IFIH1):c.2459G>A (p.Arg820His)

Gene: IFIH1 (interferon induced with helicase C domain 1; minus strand). Cytogenetic location: 2q24.2.
Variant type: single nucleotide variant.
Coding change: c.2459G>A on transcript NM_022168.4 (MANE Select); coding-DNA position 2459, G replaced by A.
Protein change: p.Arg820His; replaces arginine 820 with histidine.
Molecular consequence: missense variant.
Genome position (GRCh38, 1-based): chr2:162,272,383, C>T on the plus strand (G>A on the coding strand, the complement: IFIH1 is on the minus strand). VCF-style: chr2-162272383-C-T. GRCh37 (hg19) VCF-style: chr2-163128893-C-T.
Other names: c.2459G>A, p.Arg820His (LRG_1235t1); short protein forms R820H.
Identifiers: ClinVar variation 426581 (VCV000426581.17), dbSNP rs74162087, ClinGen allele CA1934165.

ClinVar aggregate classification (germline): Conflicting classifications of pathogenicity. Review status: criteria provided, conflicting classifications (1 of 4 stars). 5 submissions from 5 submitters: Uncertain significance (4); Likely benign (1). Last evaluated 2025-12-10.

Conditions:
IFIH1-related disorder. Also called: IFIH1-related condition.
Singleton-Merten syndrome 1 (SGMRT1). Also called: Widened medullary cavities of bone, aortic calcification, abnormal dentition, and muscular weakness; Syndrome of widened medullary cavities of the metacarpals and phalanges, aortic calcification and abnormal dentition. Identifiers: Orphanet 85191, MedGen C4225427, MONDO:0024535, OMIM 182250.
Aicardi-Goutieres syndrome 7 (AGS7). Identifiers: Orphanet 51, MedGen C3888244, MONDO:0014367, OMIM 615846.

Allele frequency attached by ClinVar (database versions not stated): ExAC 0.00019; gnomAD exomes 0.00020; gnomAD 0.00022 and 0.00024; TOPMed 0.00022; ESP Exome Variant Server 0.00077.
gnomAD v4.1: 934 of 1,611,374 alleles (0.058%); highest among the groups gnomAD compares: Non-Finnish European, 0.076%; no homozygotes.

Submissions (5):

PreventionGenetics, part of Exact Sciences
Classification: Uncertain significance for IFIH1-related condition. Last evaluated: 2025-12-10. Review status: criteria provided, single submitter. Criteria: ACMG Guidelines, 2015. Collection method: clinical testing. Allele origin: germline.
Comment: The IFIH1 c.2459G>A variant is predicted to result in the amino acid substitution p.Arg820His. This variant has been reported in the heterozygous state in an individual with suspected immunodeficiency (Table E3, Similuk et al. 2022. PubMed ID: 35753512). This variant is reported in 0.039% of alleles in individuals of European (Non-Finnish) descent in gnomAD. Although we suspect that this variant may be benign, at this time, the clinical significance of this variant is uncertain due to the absence of conclusive functional and genetic evidence.

Labcorp Genetics (formerly Invitae), Labcorp
Classification: Likely benign for Aicardi-Goutieres syndrome 7; Singleton-Merten syndrome 1. Last evaluated: 2025-10-26. Review status: criteria provided, single submitter. Criteria: Invitae Variant Classification Sherloc (09022015). Collection method: clinical testing. Allele origin: germline.

Blueprint Genetics
Classification: Uncertain significance. Last evaluated: 2024-10-04. Review status: criteria provided, single submitter. Criteria: ACMG Guidelines, 2015. Collection method: clinical testing. Allele origin: germline.

Centre of Medical Genetics, University Hospital Muenster
Classification: Uncertain significance for Singleton-Merten syndrome 1. Last evaluated: 2022-03-29. Review status: criteria provided, single submitter. Criteria: ACMG Guidelines, 2015. Collection method: clinical testing. Allele origin: germline. Affected: yes. Observed: 1 variant allele, 1 heterozygote.
Comment: ACMG categories: PM1,PM2,PP3

GeneDx
Classification: Uncertain significance. Last evaluated: 2017-04-11. Review status: criteria provided, single submitter. Criteria: GeneDx Variant Classification (06012015). Collection method: clinical testing. Allele origin: germline. Affected: yes.
Comment: The R820H variant in the IFIH1 gene has not been reported previously as a pathogenic variant, nor as a benign variant, to our knowledge. The R820H variant is observed in 5/10196 (0.049%) alleles from individuals of African background, in the ExAC dataset (Lek et al., 2016). The R820H variant is a conservative amino acid substitution, which occurs at a position that is conserved across species. In silico analysis predicts this variant is probably damaging to the protein structure/function. Missense variants in nearby residues (R822Q, R824K) have been reported in association with IFIH1-related phenotypes, including Singleton-Merten syndrome and Aicardi-Goutieres syndrome, supporting the functional importance of this region of the protein (Bursztejn et al., 2015; Rutsch et al., 2015; Pettersson et al., 2017; Crow et al., 2015). We interpret R820H as a variant of uncertain significance